The following is an entry in ClinVar:

NM_000179.3(MSH6):c.3528A>G (p.Arg1176=)

Gene: MSH6 (mutS homolog 6; plus strand). Cytogenetic location: 2p16.3.
Variant type: single nucleotide variant.
Coding change: c.3528A>G on transcript NM_000179.3 (MANE Select); coding-DNA position 3528, A replaced by G.
Protein change: p.Arg1176=; no amino-acid change (arginine 1176 retained).
Molecular consequence: synonymous variant. On other transcripts: non-coding transcript variant (4).
Genome position (GRCh38, 1-based): chr2:47,804,999, A>G. VCF-style: chr2-47804999-A-G. GRCh37 (hg19) VCF-style: chr2-48032138-A-G.
Other names: c.3138A>G, p.Arg1046= (NM_001281492.2); c.2622A>G, p.Arg874= (NM_001281493.2, NM_001281494.2, NM_001406811.1 and 6 more transcripts); c.3624A>G, p.Arg1208= (NM_001406795.1, NM_001406802.1); c.3528A>G, p.Arg1176= (NM_001406796.1, NM_001406800.1, NM_001406808.1 and 1 more transcripts); c.3231A>G, p.Arg1077= (NM_001406797.1, NM_001406801.1, NM_001406805.1 and 10 more transcripts); c.3354A>G, p.Arg1118= (NM_001406798.1); c.3003A>G, p.Arg1001= (NM_001406799.1, NM_001406806.1, NM_001406807.1); c.2664A>G, p.Arg888= (NM_001406803.1); and 7 more.
Identifiers: ClinVar variation 3904764 (VCV003904764.1).
Genomic context (GRCh38, chr2:47,804,999, plus strand): 5'-GGGTTGTTACGTCCCTGCTGAAGTGTGCAGGCTCACACCAATTGATAGAGTGTTTACTAG[A>G]CTTGGTGCCTCAGACAGAATAATGTCAGGTGAGTTTTTTGTTTCCCACTTAAGTTCTCAT-3'
Protein context (NP_000170.1, residues 1166-1186): RLTPIDRVFT[Arg1176=]LGASDRIMSG

ClinVar aggregate classification (germline): Benign (1 of 4 stars; one submission).

Conditions:
Lynch syndrome 5 (LYNCH5). Also called: Colorectal cancer, hereditary nonpolyposis, type 5; Hereditary non-polyposis colorectal cancer, type 5. Identifiers: Orphanet 144, MedGen C1833477, MONDO:0013710, OMIM 614350. Disease mechanism: loss of function.

Submission:

Myriad Genetics, Inc.
Classification: Benign for Lynch syndrome 5. Last evaluated: 2025-01-07. Review status: criteria provided, single submitter. Criteria: Myriad Autosomal Dominant, Autosomal Recessive and X-Linked Classification Criteria (2023). Collection method: clinical testing. Allele origin: unknown.
Comment: This variant is considered benign. This variant is a silent/synonymous amino acid change and it is not expected to impact splicing.